The following is an entry in ClinVar:

NM_020964.3(EPG5):c.1540C>A (p.Gln514Lys)

Gene: EPG5 (ectopic P-granules 5 autophagy tethering factor; minus strand). Cytogenetic location: 18q21.1.
Variant type: single nucleotide variant.
Coding change: c.1540C>A on transcript NM_020964.3 (MANE Select); coding-DNA position 1540, C replaced by A.
Protein change: p.Gln514Lys; replaces glutamine 514 with lysine.
Molecular consequence: missense variant.
Genome position (GRCh38, 1-based): chr18:45,948,534, G>T on the plus strand (C>A on the coding strand, the complement: EPG5 is on the minus strand). VCF-style: chr18-45948534-G-T. GRCh37 (hg19) VCF-style: chr18-43528500-G-T.
Other names: c.1540C>A, p.Gln514Lys (NM_001410858.1, NM_001410859.1); short protein forms Q514K.
Identifiers: ClinVar variation 2784434 (VCV002784434.1), dbSNP rs759168281, ClinGen allele CA8949686.

ClinVar aggregate classification (germline): Uncertain significance (1 of 4 stars; one submission).

Conditions:
Vici syndrome (VICIS). Identifiers: Orphanet 1493, MedGen C1855772, MONDO:0009452, OMIM 242840.

Allele frequency attached by ClinVar (database versions not stated): ExAC 0.00001; gnomAD 0.00001; TOPMed 0.00001.
gnomAD v4.1: 4 of 1,613,696 alleles (0.00025%); highest among the groups gnomAD compares: Non-Finnish European, 0.00025%; no homozygotes.

Submission:

Labcorp Genetics (formerly Invitae), Labcorp
Classification: Uncertain significance for Vici syndrome. Last evaluated: 2023-05-05. Review status: criteria provided, single submitter. Criteria: Invitae Variant Classification Sherloc (09022015). Collection method: clinical testing. Allele origin: germline.
Comment: In summary, the available evidence is currently insufficient to determine the role of this variant in disease. Therefore, it has been classified as a Variant of Uncertain Significance. Advanced modeling of protein sequence and biophysical properties (such as structural, functional, and spatial information, amino acid conservation, physicochemical variation, residue mobility, and thermodynamic stability) performed at Invitae indicates that this missense variant is not expected to disrupt EPG5 protein function. This variant has not been reported in the literature in individuals affected with EPG5-related conditions. The frequency data for this variant in the population databases is considered unreliable, as metrics indicate poor data quality at this position in the gnomAD database. This sequence change replaces glutamine, which is neutral and polar, with lysine, which is basic and polar, at codon 514 of the EPG5 protein (p.Gln514Lys).